The following is an entry in ClinVar:

ClinVar aggregate classification (germline): Uncertain significance (1 of 4 stars; one submission).

Submission:

Dasa
Classification: Uncertain significance. Last evaluated: 2026-04-04. Review status: criteria provided, single submitter. Criteria: DASA Assertion Criteria. Collection method: clinical testing. Allele origin: germline.
Comment: NM_003011.4(SET):c.764A>T (p.Asp255Val) is a missense variant that results in the substitution of aspartic acid with valine. This variant is absent from population databases. The currently available literature and clinical evidence are not sufficient to establish a definitive association between this variant and the reported condition. Therefore, this variant is classified as a variant of uncertain significance.

NM_003011.4(SET):c.764A>T (p.Asp255Val)

Gene: SET (SET nuclear proto-oncogene; plus strand). Cytogenetic location: 9q34.11.
Variant type: single nucleotide variant.
Coding change: c.764A>T on transcript NM_003011.4 (MANE Select); coding-DNA position 764, A replaced by T.
Protein change: p.Asp255Val; replaces aspartic acid 255 with valine.
Molecular consequence: missense variant.
Genome position (GRCh38, 1-based): chr9:128,693,996, A>T. VCF-style: chr9-128693996-A-T. GRCh37 (hg19) VCF-style: chr9-131456275-A-T.
Other names: c.803A>T, p.Asp268Val (NM_001122821.2, NM_001374326.1); c.737A>T, p.Asp246Val (NM_001248000.2); c.731A>T, p.Asp244Val (NM_001248001.2); short protein forms D244V, D246V, D255V, D268V.
Identifiers: ClinVar variation 4881553 (VCV004881553.2).